The following is an entry in ClinVar:

NM_078471.4(MYO18A):c.2932G>A (p.Ala978Thr)

Gene: MYO18A (myosin XVIIIA; minus strand). Cytogenetic location: 17q11.2.
Variant type: single nucleotide variant.
Coding change: c.2932G>A on transcript NM_078471.4 (MANE Select); coding-DNA position 2932, G replaced by A.
Protein change: p.Ala978Thr; replaces alanine 978 with threonine.
Molecular consequence: missense variant.
Genome position (GRCh38, 1-based): chr17:29,110,591, C>T on the plus strand (G>A on the coding strand, the complement: MYO18A is on the minus strand). VCF-style: chr17-29110591-C-T. GRCh37 (hg19) VCF-style: chr17-27437609-C-T.
Other names: c.2989G>A, p.Ala997Thr (NM_001346765.2); c.2968G>A, p.Ala990Thr (NM_001346766.2); c.2932G>A, p.Ala978Thr (NM_001346767.2, NM_203318.2); c.1558G>A, p.Ala520Thr (NM_001346768.2); short protein forms A978T, A997T, A990T, A520T.
Identifiers: ClinVar variation 634993 (VCV000634993.2), dbSNP rs761772888, ClinGen allele CA8472778.

ClinVar aggregate classification (germline): Uncertain significance (1 of 4 stars; one submission).

Conditions:
Hydrops fetalis. Identifiers: Orphanet 1041, MedGen C0020305, MONDO:0015193, HP:0001789.
Multiple joint contractures. Identifiers: MedGen C0158118, HP:0002828.
Abnormal facial shape. Also called: Dysmorphic facies; Dysmorphic facial features. Identifiers: MedGen C0424503, HP:0001999.

gnomAD v4.1: 12 of 1,608,790 alleles (0.00075%); highest among the groups gnomAD compares: South Asian, 0.0066%; no homozygotes.

Submission:

Diagnostics Division, CENTRE FOR DNA FINGERPRINTING AND DIAGNOSTICS
Classification: Uncertain significance for Hydrops fetalis; Multiple joint contractures; Abnormal facial shape. Last evaluated: 2019-01-01. Review status: criteria provided, single submitter. Criteria: ACMG Guidelines, 2015. Collection method: research. Allele origin: germline. Affected: yes. Observed: 1 heterozygote.
Comment: Missense variant